The following is an entry in ClinVar:

NM_000373.4(UMPS):c.1087C>T (p.Arg363Trp)

Gene: UMPS (uridine monophosphate synthetase; plus strand). Cytogenetic location: 3q21.2.
Variant type: single nucleotide variant.
Coding change: c.1087C>T on transcript NM_000373.4 (MANE Select); coding-DNA position 1087, C replaced by T.
Protein change: p.Arg363Trp; replaces arginine 363 with tryptophan.
Molecular consequence: missense variant. On other transcripts: non-coding transcript variant (2).
Genome position (GRCh38, 1-based): chr3:124,740,128, C>T. VCF-style: chr3-124740128-C-T. GRCh37 (hg19) VCF-style: chr3-124458975-C-T.
Other names: short protein forms R363W.
Identifiers: ClinVar variation 4529512 (VCV004529512.1).

ClinVar aggregate classification (germline): Uncertain significance (1 of 4 stars; one submission).

Conditions:
Hereditary orotic aciduria. Also called: OROTATE PHOSPHORIBOSYLTRANSFERASE AND OROTIDYLIC DECARBOXYLASE DEFICIENCY; URIDINE MONOPHOSPHATE SYNTHASE DEFICIENCY; UMPS DEFICIENCY; OPRT AND ODC DEFICIENCY; UMP SYNTHASE DEFICIENCY; OROTIC ACIDURIA I. Identifiers: Orphanet 30, MedGen C0220987, MONDO:0009797, OMIM 258900.

gnomAD v4.1: 21 of 1,613,870 alleles (0.0013%); highest among the groups gnomAD compares: African/African-American, 0.0027%; no homozygotes.

Submission:

Henan Neurodevelopment Engineering Research Center for Children, Children's Hospital Affiliated to Zhengzhou University
Classification: Uncertain significance for Hereditary orotic aciduria. Last evaluated: 2022-12-12. Review status: criteria provided, single submitter. Criteria: ACMG Guidelines, 2015. Collection method: clinical testing. Allele origin: inherited. Inheritance: Autosomal recessive inheritance. Affected: yes. Observed: 1 variant allele, 1 compound heterozygote.
Comment: The c.1087C>T variant is rare in general population databases (frequency < 0.001) and is predicted to be damaging by multiple bioinformatic tools, meeting supportive threshold criteria. Furthermore, at least one affected individual carrying this variant has displayed disease-specific clinical features, including markedly elevated urinary orotic acid levels and anemia.